The following is an entry in ClinVar:

ClinVar aggregate classification (germline): Uncertain significance. Review status: criteria provided, multiple submitters, no conflicts (2 of 4 stars). 6 submissions from 5 submitters: Uncertain significance (5). 1 of the submissions does not count toward it. Last evaluated 2024-11-05.

Conditions:
Glycogen storage disease IV, classic hepatic. Also called: GSD IV, CLASSIC HEPATIC. Identifiers: MedGen C1856301.
Glycogen storage disease, type IV (GSD4). Also called: Glycogen storage disease due to glycogen branching enzyme deficiency; GBE1 DEFICIENCY; GLYCOGEN BRANCHING ENZYME DEFICIENCY; GLYCOGENOSIS IV; GSD IV; AMYLOPECTINOSIS. Identifiers: Orphanet 367, MedGen C0017923, MONDO:0009292, OMIM 232500.
Adult polyglucosan body disease (APBN). Also called: POLYGLUCOSAN BODY DISEASE, ADULT FORM; GBE1-Adult Polyglucosan Body Disease. Identifiers: Orphanet 206583, MedGen C1849722, MONDO:0009897, OMIM 263570.

Allele frequency attached by ClinVar (database versions not stated): gnomAD exomes 0.00002 and 0.00008; ExAC 0.00005; TOPMed 0.00005; gnomAD 0.00007; ESP Exome Variant Server 0.00008.
gnomAD v4.1: 123 of 1,608,886 alleles (0.0076%); highest among the groups gnomAD compares: Middle Eastern, 0.066%; 1 homozygote.

Submissions (6):

Labcorp Genetics (formerly Invitae), Labcorp
Classification: Uncertain significance for Glycogen storage disease, type IV; Glycogen storage disease IV, classic hepatic. Last evaluated: 2024-11-05. Review status: criteria provided, single submitter. Criteria: Invitae Variant Classification Sherloc (09022015). Collection method: clinical testing. Allele origin: germline.
Comment: This sequence change replaces arginine, which is basic and polar, with histidine, which is basic and polar, at codon 156 of the GBE1 protein (p.Arg156His). This variant is present in population databases (rs374404487, gnomAD 0.007%). This missense change has been observed in individual(s) with GBE1-related conditions (PMID: 33772059). ClinVar contains an entry for this variant (Variation ID: 1195185). Invitae Evidence Modeling of protein sequence and biophysical properties (such as structural, functional, and spatial information, amino acid conservation, physicochemical variation, residue mobility, and thermodynamic stability) has been performed for this missense variant. However, the output from this modeling did not meet the statistical confidence thresholds required to predict the impact of this variant on GBE1 protein function. In summary, the available evidence is currently insufficient to determine the role of this variant in disease. Therefore, it has been classified as a Variant of Uncertain Significance.

Blueprint Genetics
Classification: Uncertain significance. Last evaluated: 2024-08-22. Review status: criteria provided, single submitter. Criteria: ACMG Guidelines, 2015. Collection method: clinical testing. Allele origin: germline.

Genome-Nilou Lab
Classification: Uncertain significance for Glycogen storage disease, type IV. Last evaluated: 2021-07-14. Review status: criteria provided, single submitter. Criteria: ACMG Guidelines, 2015. Collection method: clinical testing. Allele origin: germline. Affected: no.

Genome-Nilou Lab
Classification: Uncertain significance for Adult polyglucosan body disease. Last evaluated: 2021-07-14. Review status: criteria provided, single submitter. Criteria: ACMG Guidelines, 2015. Collection method: clinical testing. Allele origin: germline. Affected: no.

GeneDx
Classification: Uncertain significance. Last evaluated: 2020-03-06. Review status: criteria provided, single submitter. Criteria: GeneDx Variant Classification Process June 2021. Collection method: clinical testing. Allele origin: germline. Affected: yes.
Comment: Not observed at a significant frequency in large population cohorts (Lek et al., 2016); In silico analysis supports that this missense variant has a deleterious effect on protein structure/function; Has not been previously published as pathogenic or benign to our knowledge

Natera, Inc.
Classification: Uncertain significance for Glycogen storage disease type IV. Last evaluated: 2020-04-22. Review status: no assertion criteria provided. Collection method: clinical testing. Allele origin: germline. Not counted in ClinVar's aggregate classification.

Literature cited by the submitters: PubMed 33772059 (cited by Labcorp Genetics (formerly Invitae), Labcorp).

NM_000158.4(GBE1):c.467G>A (p.Arg156His)

Gene: GBE1 (1,4-alpha-glucan branching enzyme 1; minus strand). Cytogenetic location: 3p12.2.
Variant type: single nucleotide variant.
Coding change: c.467G>A on transcript NM_000158.4 (MANE Select); coding-DNA position 467, G replaced by A.
Protein change: p.Arg156His; replaces arginine 156 with histidine.
Molecular consequence: missense variant.
Genome position (GRCh38, 1-based): chr3:81,649,884, C>T on the plus strand (G>A on the coding strand, the complement: GBE1 is on the minus strand). VCF-style: chr3-81649884-C-T. GRCh37 (hg19) VCF-style: chr3-81699035-C-T.
Other names: short protein forms R156H.
Identifiers: ClinVar variation 1195185 (VCV001195185.12), dbSNP rs374404487, ClinGen allele CA2499958.